The following is an entry in ClinVar:

ClinVar aggregate classification (germline): Benign. Review status: reviewed by expert panel (3 of 4 stars). 15 submissions from 14 submitters: Benign (1). 14 of the submissions do not count toward it. Last evaluated 2024-09-17.

Conditions:
Noonan syndrome and Noonan-related syndrome. Identifiers: Orphanet 98733, MedGen C5681679, MONDO:0020297.
Cardiovascular phenotype. Identifiers: MedGen CN230736.
RASopathy. Also called: rasopathies; Noonan spectrum disorder. Identifiers: Orphanet 536391, MedGen C5555857, MONDO:0021060.
Fibromatosis, gingival, 1 (GINGF1). Identifiers: Orphanet 2024, MedGen C4551558, MONDO:0007609, OMIM 135300.
Noonan syndrome 4 (NS4). Also called: NOONAN SYNDROME WITH PIGMENTED VILLONODULAR SYNOVITIS; SOS1-Related Noonan Syndrome. Identifiers: Orphanet 648, MedGen C1853120, MONDO:0012547, OMIM 610733.

Allele frequency attached by ClinVar (database versions not stated): TOPMed 0.00434; 1000 Genomes Project 30x 0.00453; ExAC 0.00580; gnomAD exomes 0.00749 and 0.00185; ESP Exome Variant Server 0.00023; gnomAD 0.00217 and 0.00238; 1000 Genomes Project 0.00379.
gnomAD v4.1: 3,021 of 1,613,054 alleles (0.19%); highest among the groups gnomAD compares: Admixed American, 3.6%; 56 homozygotes.

Submissions (15):

ClinGen RASopathy Variant Curation Expert Panel
Classification: Benign for RASopathy. Last evaluated: 2024-09-17. Review status: reviewed by expert panel. Criteria: ClinGen RASopathy ACMG Specifications SOS1 V2.1.0. Collection method: curation. Allele origin: germline. Inheritance: Autosomal dominant inheritance.
Comment: The c.1230G>A variant in the SOS1 gene is a synonymous (silent) variant (p.Gln410=) at a nucleotide that is not highly conserved and not predicted by SpliceAI to impact splicing (BP4, BP7). The filtering allele frequency in gnomAD v4.1.0 is 4.078% (2165/59926 alleles, 47 homozygotes) in the Admixed American population and therefore meets BA1. This variant has been identified in patients with an alternate molecular basis for disease (BP5; Partners LMM internal data GTR Lab ID: 21766, ClinVar SCV000062189.6). In summary, this variant meets criteria to be classified as benign for autosomal dominant RASopathies based on the ACMG/AMP criteria applied, as specified by the ClinGen RASopathy Variant Curation Expert Panel: BA1, BP4, BP5, BP7 (Specification Version 2.1, 09/17/2024)

Labcorp Genetics (formerly Invitae), Labcorp
Classification: Benign for RASopathy. Last evaluated: 2026-02-03. Review status: criteria provided, single submitter. Criteria: Invitae Variant Classification Sherloc (09022015). Collection method: clinical testing. Allele origin: germline. Not counted in ClinVar's aggregate classification.

ARUP Laboratories, Molecular Genetics and Genomics, ARUP Laboratories
Classification: Benign. Last evaluated: 2025-03-07. Review status: criteria provided, single submitter. Criteria: ARUP Molecular Germline Variant Investigation Process 2024. Collection method: clinical testing. Allele origin: germline. Not counted in ClinVar's aggregate classification.

Blueprint Genetics
Classification: Likely benign. Last evaluated: 2024-10-09. Review status: criteria provided, single submitter. Criteria: ACMG Guidelines, 2015. Collection method: clinical testing. Allele origin: germline. Not counted in ClinVar's aggregate classification.

Genome Diagnostics Laboratory, The Hospital for Sick Children
Classification: Benign for Noonan syndrome and Noonan-related syndrome. Last evaluated: 2021-06-28. Review status: criteria provided, single submitter. Criteria: ACMG Guidelines, 2015. Collection method: clinical testing. Allele origin: germline. Not counted in ClinVar's aggregate classification.

Illumina Laboratory Services, Illumina
Classification: Benign for Noonan syndrome 4. Last evaluated: 2018-01-13. Review status: criteria provided, single submitter. Criteria: ICSL Variant Classification Criteria 13 December 2019. Collection method: clinical testing. Allele origin: germline. Not counted in ClinVar's aggregate classification.
Comment: This variant was observed in the ICSL laboratory as part of a predisposition screen in an ostensibly healthy population. It had not been previously curated by ICSL or reported in the Human Gene Mutation Database (HGMD: prior to June 1st, 2018), and was therefore a candidate for classification through an automated scoring system. Utilizing variant allele frequency, disease prevalence and penetrance estimates, and inheritance mode, an automated score was calculated to assess if this variant is too frequent to cause the disease. Based on the score and internal cut-off values, a variant classified as benign is not then subjected to further curation. The score for this variant resulted in a classification of benign for this disease.

Illumina Laboratory Services, Illumina
Classification: Benign for Fibromatosis, gingival, 1. Last evaluated: 2018-01-13. Review status: criteria provided, single submitter. Criteria: ICSL Variant Classification Criteria 13 December 2019. Collection method: clinical testing. Allele origin: germline. Not counted in ClinVar's aggregate classification.
Comment: the same text as in the submission from Illumina Laboratory Services, Illumina above.

Ambry Genetics
Classification: Benign for Cardiovascular phenotype. Last evaluated: 2016-11-01. Review status: criteria provided, single submitter. Criteria: Ambry Variant Classification Scheme 2023. Collection method: clinical testing. Allele origin: germline. Not counted in ClinVar's aggregate classification.

Mayo Clinic Laboratories, Mayo Clinic
Classification: Benign. Last evaluated: 2015-12-21. Review status: criteria provided, single submitter. Criteria: ACMG Guidelines, 2015. Collection method: clinical testing. Allele origin: germline. Observed: 15 variant alleles. Not counted in ClinVar's aggregate classification.

GeneDx
Classification: Benign. Last evaluated: 2015-03-03. Review status: criteria provided, single submitter. Criteria: GeneDx Variant Classification Process June 2021. Collection method: clinical testing. Allele origin: germline. Affected: yes. Not counted in ClinVar's aggregate classification.

Eurofins Ntd Llc (ga)
Classification: Benign. Last evaluated: 2014-09-17. Review status: criteria provided, single submitter. Criteria: EGL Classification Definitions 2015. Collection method: clinical testing. Allele origin: germline. Observed: 1 variant allele, 1 heterozygote. Not counted in ClinVar's aggregate classification.

Laboratory for Molecular Medicine, Mass General Brigham Personalized Medicine
Classification: Benign. Last evaluated: 2010-05-07. Review status: criteria provided, single submitter. Criteria: LMM Criteria. Collection method: clinical testing. Allele origin: germline. Observed: 22 variant alleles. Not counted in ClinVar's aggregate classification.
Comment: Changed to benign since variant has been observed in two individuals with other known pathogenic variants in PTPN11.

Breakthrough Genomics
Classification: Benign. Review status: criteria provided, single submitter. Criteria: ACMG Guidelines, 2015. Collection method: not provided. Allele origin: germline. Inheritance: Autosomal dominant inheritance. Affected: yes. Not counted in ClinVar's aggregate classification.

PreventionGenetics, part of Exact Sciences
Classification: Benign. Review status: criteria provided, single submitter. Criteria: ACMG Guidelines, 2015. Collection method: clinical testing. Allele origin: germline. Not counted in ClinVar's aggregate classification.

Greenwood Genetic Center Diagnostic Laboratories, Greenwood Genetic Center
Classification: Uncertain significance. Last evaluated: 2015-01-15. Review status: no assertion criteria provided. Collection method: clinical testing. Allele origin: germline. Not counted in ClinVar's aggregate classification.

NM_005633.4(SOS1):c.1230G>A (p.Gln410=)

Gene: SOS1 (SOS Ras/Rac guanine nucleotide exchange factor 1; minus strand). Cytogenetic location: 2p22.1.
Variant type: single nucleotide variant.
Coding change: c.1230G>A on transcript NM_005633.4 (MANE Select); coding-DNA position 1230, G replaced by A.
Protein change: p.Gln410=; no amino-acid change (glutamine 410 retained).
Molecular consequence: synonymous variant.
Genome position (GRCh38, 1-based): chr2:39,023,198, C>T on the plus strand (G>A on the coding strand, the complement: SOS1 is on the minus strand). VCF-style: chr2-39023198-C-T. GRCh37 (hg19) VCF-style: chr2-39250339-C-T.
Other names: p.Q410Q; NM_005633.3(SOS1):c.1230G>A; c.1209G>A, p.Gln403= (NM_001382394.1); c.1230G>A, p.Gln410= (NM_001382395.1).
Identifiers: ClinVar variation 40665 (VCV000040665.44), dbSNP rs141390073, ClinGen allele CA136077.